The following is an entry in ClinVar:

NM_016366.3(CABP2):c.281G>A (p.Arg94Gln)

Gene: CABP2 (calcium binding protein 2; minus strand). Cytogenetic location: 11q13.2.
Variant type: single nucleotide variant.
Coding change: c.281G>A on transcript NM_016366.3 (MANE Select); coding-DNA position 281, G replaced by A.
Protein change: p.Arg94Gln; replaces arginine 94 with glutamine.
Molecular consequence: missense variant.
Genome position (GRCh38, 1-based): chr11:67,521,123, C>T on the plus strand (G>A on the coding strand, the complement: CABP2 is on the minus strand). VCF-style: chr11-67521123-C-T. GRCh37 (hg19) VCF-style: chr11-67288594-C-T.
Other names: c.299G>A, p.Arg100Gln (NM_001318496.2); short protein forms R94Q, R100Q.
Identifiers: ClinVar variation 506033 (VCV000506033.17), dbSNP rs2276118, ClinGen allele CA6142512.

ClinVar aggregate classification (germline): Benign. Review status: criteria provided, multiple submitters, no conflicts (2 of 4 stars). 6 submissions from 6 submitters: Benign (6). Last evaluated 2026-02-04.

Conditions:
Autosomal recessive nonsyndromic hearing loss 93. Also called: Deafness, autosomal recessive 93. Identifiers: Orphanet 90636, MedGen C3888355, MONDO:0013963, OMIM 614899.

Allele frequency attached by ClinVar (database versions not stated): TOPMed 0.40881; 1000 Genomes Project 30x 0.41630; ESP Exome Variant Server 0.41855; gnomAD 0.41880 and 0.43202; 1000 Genomes Project 0.42971; gnomAD exomes 0.52867 and 0.55370; ExAC 0.52890.

Submissions (6):

Labcorp Genetics (formerly Invitae), Labcorp
Classification: Benign. Last evaluated: 2026-02-04. Review status: criteria provided, single submitter. Criteria: Invitae Variant Classification Sherloc (09022015). Collection method: clinical testing. Allele origin: germline.

Genome-Nilou Lab
Classification: Benign for Autosomal recessive nonsyndromic hearing loss 93. Last evaluated: 2021-07-14. Review status: criteria provided, single submitter. Criteria: ACMG Guidelines, 2015. Collection method: clinical testing. Allele origin: germline. Affected: no.

Mayo Clinic Laboratories, Mayo Clinic
Classification: Benign. Last evaluated: 2020-10-20. Review status: criteria provided, single submitter. Criteria: ACMG Guidelines, 2015. Collection method: clinical testing. Allele origin: germline. Observed: 114 variant alleles.

Laboratory for Molecular Medicine, Mass General Brigham Personalized Medicine
Classification: Benign. Last evaluated: 2017-08-23. Review status: criteria provided, single submitter. Criteria: LMM Criteria. Collection method: clinical testing. Allele origin: germline. Observed: 206 variant alleles.
Comment: p.Arg94Gln in exon 4 of CABP2: This variant is not expected to have clinical sig nificance because it has been identified in 69.33% (5982/8628) of East Asian chr omosomes by the Exome Aggregation Consortium (ExAC, rg; dbSNP rs2276118).

GeneDx
Classification: Benign. Last evaluated: 2017-05-09. Review status: criteria provided, single submitter. Criteria: GeneDx Variant Classification (06012015). Collection method: clinical testing. Allele origin: germline. Affected: yes.
Comment: This variant is considered likely benign or benign based on one or more of the following criteria: it is a conservative change, it occurs at a poorly conserved position in the protein, it is predicted to be benign by multiple in silico algorithms, and/or has population frequency not consistent with disease.

Breakthrough Genomics
Classification: Benign. Review status: criteria provided, single submitter. Criteria: ACMG Guidelines, 2015. Collection method: not provided. Allele origin: germline. Inheritance: Autosomal recessive inheritance. Affected: yes.